The following is an entry in ClinVar:

ClinVar aggregate classification (germline): Uncertain significance (1 of 4 stars; one submission).

Conditions:
CHARGE syndrome (CHARGE). Also called: Hittner Hirsch Kreh syndrome; CHARGE ASSOCIATION--COLOBOMA, HEART ANOMALY, CHOANAL ATRESIA, RETARDATION, GENITAL AND EAR ANOMALIES; Coloboma, heart anomaly, choanal atresia, retardation, genital and ear anomalies; CHARGE association; Hall-Hittner syndrome. Identifiers: Orphanet 138, MedGen C0265354, MONDO:0008965.

gnomAD v4.1: 1 of 1,612,796 alleles (0.000062%); highest among the groups gnomAD compares: Non-Finnish European, 0.000085%; no homozygotes.

Submission:

Labcorp Genetics (formerly Invitae), Labcorp
Classification: Uncertain significance for CHARGE syndrome. Last evaluated: 2026-01-18. Review status: criteria provided, single submitter. Criteria: Invitae Variant Classification Sherloc (09022015). Collection method: clinical testing. Allele origin: germline.
Comment: This sequence change replaces aspartic acid, which is acidic and polar, with valine, which is neutral and non-polar, at codon 487 of the SEMA3E protein (p.Asp487Val). This variant is not present in population databases (gnomAD no frequency). This variant has not been reported in the literature in individuals affected with SEMA3E-related conditions. An algorithm developed to predict the effect of missense changes on protein structure and function outputs the following: PolyPhen-2: "Benign". The valine amino acid residue is found in multiple mammalian species, which suggests that this missense change does not adversely affect protein function. In summary, the available evidence is currently insufficient to determine the role of this variant in disease. Therefore, it has been classified as a Variant of Uncertain Significance.

NM_012431.3(SEMA3E):c.1460A>T (p.Asp487Val)

Gene: SEMA3E (semaphorin 3E; minus strand). Cytogenetic location: 7q21.11.
Variant type: single nucleotide variant.
Coding change: c.1460A>T on transcript NM_012431.3 (MANE Select); coding-DNA position 1460, A replaced by T.
Protein change: p.Asp487Val; replaces aspartic acid 487 with valine.
Molecular consequence: missense variant.
Genome position (GRCh38, 1-based): chr7:83,394,337, T>A on the plus strand (A>T on the coding strand, the complement: SEMA3E is on the minus strand). VCF-style: chr7-83394337-T-A. GRCh37 (hg19) VCF-style: chr7-83023653-T-A.
Other names: c.1280A>T, p.Asp427Val (NM_001178129.2); short protein forms D427V, D487V.
Identifiers: ClinVar variation 4725137 (VCV004725137.1).